The following is an entry in ClinVar:

NM_002582.4(PARN):c.1381C>G (p.Leu461Val)

Gene: PARN (poly(A)-specific ribonuclease; minus strand). Cytogenetic location: 16p13.12.
Variant type: single nucleotide variant.
Coding change: c.1381C>G on transcript NM_002582.4 (MANE Select); coding-DNA position 1381, C replaced by G.
Protein change: p.Leu461Val; replaces leucine 461 with valine.
Molecular consequence: missense variant.
Genome position (GRCh38, 1-based): chr16:14,554,089, G>C on the plus strand (C>G on the coding strand, the complement: PARN is on the minus strand). VCF-style: chr16-14554089-G-C. GRCh37 (hg19) VCF-style: chr16-14647946-G-C.
Other names: c.1198C>G, p.Leu400Val (NM_001134477.3); c.1243C>G, p.Leu415Val (NM_001242992.2); short protein forms L415V, L461V, L400V.
Identifiers: ClinVar variation 838129 (VCV000838129.10), dbSNP rs1225884986, ClinGen allele CA394811768.
Genomic context (GRCh38, chr16:14,554,089, plus strand): 5'-AAAACCCTAAAAAGTACATCTGAACTTGCGACTTACCAAAGGCACTGAAAAGCTGGTAAA[G>C]GTCGCTGGTTTTCCATTCTTTGGGGAATGTCACATGGAGAACATGATCACGTTTAGGCTG-3'
Protein context (NP_002573.1, residues 451-471): TFPKEWKTSD[Leu461Val]YQLFSAFGNI

ClinVar aggregate classification (germline): Uncertain significance (1 of 4 stars; one submission).

Conditions:
Dyskeratosis congenita, autosomal recessive 6 (DKCB6). Identifiers: MedGen C4225356, MONDO:0014600, OMIM 616353.
Pulmonary fibrosis and/or bone marrow failure, Telomere-related, 4. Also called: PULMONARY FIBROSIS AND/OR BONE MARROW FAILURE SYNDROME, TELOMERE-RELATED, 4. Identifiers: Orphanet 2032, MedGen C4225347, MONDO:0014612, OMIM 616371.

Allele frequency attached by ClinVar (database versions not stated): gnomAD exomes 0.00005 and 0.00001.
gnomAD v4.1: 66 of 1,612,738 alleles (0.0041%); highest among the groups gnomAD compares: Non-Finnish European, 0.0054%; no homozygotes.

Submission:

Labcorp Genetics (formerly Invitae), Labcorp
Classification: Uncertain significance for Dyskeratosis congenita, autosomal recessive 6; Pulmonary fibrosis and/or bone marrow failure, Telomere-related, 4. Last evaluated: 2025-03-27. Review status: criteria provided, single submitter. Criteria: Invitae Variant Classification Sherloc (09022015). Collection method: clinical testing. Allele origin: germline.
Comment: This sequence change replaces leucine, which is neutral and non-polar, with valine, which is neutral and non-polar, at codon 461 of the PARN protein (p.Leu461Val). This variant is present in population databases (no rsID available, gnomAD 0.003%). This missense change has been observed in individual(s) with idiopathic pulmonary fibrosis (PMID: 28099038). ClinVar contains an entry for this variant (Variation ID: 838129). Invitae Evidence Modeling of protein sequence and biophysical properties (such as structural, functional, and spatial information, amino acid conservation, physicochemical variation, residue mobility, and thermodynamic stability) indicates that this missense variant is not expected to disrupt PARN protein function with a negative predictive value of 80%. In summary, the available evidence is currently insufficient to determine the role of this variant in disease. Therefore, it has been classified as a Variant of Uncertain Significance.

Literature cited by the submitters: PubMed 28099038.